The following is an entry in ClinVar:

NM_005585.5(SMAD6):c.1163G>T (p.Gly388Val)

Gene: SMAD6 (SMAD family member 6; plus strand). Cytogenetic location: 15q22.31.
Variant type: single nucleotide variant.
Coding change: c.1163G>T on transcript NM_005585.5 (MANE Select); coding-DNA position 1163, G replaced by T.
Protein change: p.Gly388Val; replaces glycine 388 with valine.
Molecular consequence: missense variant. On other transcripts: non-coding transcript variant (1).
Genome position (GRCh38, 1-based): chr15:66,781,207, G>T. VCF-style: chr15-66781207-G-T. GRCh37 (hg19) VCF-style: chr15-67073545-G-T.
Other names: short protein forms G388V.
Identifiers: ClinVar variation 4699089 (VCV004699089.1).

ClinVar aggregate classification (germline): Uncertain significance (1 of 4 stars; one submission).

Conditions:
Aortic valve disease 2 (AOVD2). Identifiers: MedGen C3542024, MONDO:0013902, OMIM 614823.

gnomAD v4.1: 5 of 1,608,344 alleles (0.00031%); highest among the groups gnomAD compares: Non-Finnish European, 0.00017%; no homozygotes.

Submission:

Labcorp Genetics (formerly Invitae), Labcorp
Classification: Uncertain significance for Aortic valve disease 2. Last evaluated: 2025-09-13. Review status: criteria provided, single submitter. Criteria: Invitae Variant Classification Sherloc (09022015). Collection method: clinical testing. Allele origin: germline.
Comment: This sequence change replaces glycine, which is neutral and non-polar, with valine, which is neutral and non-polar, at codon 388 of the SMAD6 protein (p.Gly388Val). This variant is present in population databases (no rsID available, gnomAD 0.02%). This variant has not been reported in the literature in individuals affected with SMAD6-related conditions. Invitae Evidence Modeling of protein sequence and biophysical properties (such as structural, functional, and spatial information, amino acid conservation, physicochemical variation, residue mobility, and thermodynamic stability) has been performed for this missense variant. However, the output from this modeling did not meet the statistical confidence thresholds required to predict the impact of this variant on SMAD6 protein function. In summary, the available evidence is currently insufficient to determine the role of this variant in disease. Therefore, it has been classified as a Variant of Uncertain Significance.